The following is an entry in ClinVar:

ClinVar aggregate classification (germline): Uncertain significance. Review status: criteria provided, multiple submitters, no conflicts (2 of 4 stars). 5 submissions from 5 submitters: Uncertain significance (5). Last evaluated 2024-12-09.

Conditions:
Inborn genetic diseases. Identifiers: MedGen C0950123, MeSH D030342.
Hennekam lymphangiectasia-lymphedema syndrome 1 (HKLLS1). Also called: LYMPHATIC DYSPLASIA, GENERALIZED. Identifiers: Orphanet 2136, MedGen C4012050, MONDO:0009337, OMIM 235510.

Allele frequency attached by ClinVar (database versions not stated): 1000 Genomes Project 0.00020; 1000 Genomes Project 30x 0.00031; gnomAD exomes 0.00040 and 0.00089; ExAC 0.00041; gnomAD 0.00048 and 0.00051; TOPMed 0.00051; ESP Exome Variant Server 0.00054.
gnomAD v4.1: 1,335 of 1,614,220 alleles (0.083%); highest among the groups gnomAD compares: Non-Finnish European, 0.11%; 2 homozygotes.

Submissions (5):

Labcorp Genetics (formerly Invitae), Labcorp
Classification: Uncertain significance. Last evaluated: 2024-12-09. Review status: criteria provided, single submitter. Criteria: Invitae Variant Classification Sherloc (09022015). Collection method: clinical testing. Allele origin: germline.
Comment: This sequence change replaces arginine, which is basic and polar, with glutamine, which is neutral and polar, at codon 127 of the CCBE1 protein (p.Arg127Gln). This variant is present in population databases (rs141638717, gnomAD 0.08%). This variant has not been reported in the literature in individuals affected with CCBE1-related conditions. ClinVar contains an entry for this variant (Variation ID: 892099). Invitae Evidence Modeling of protein sequence and biophysical properties (such as structural, functional, and spatial information, amino acid conservation, physicochemical variation, residue mobility, and thermodynamic stability) indicates that this missense variant is not expected to disrupt CCBE1 protein function with a negative predictive value of 80%. In summary, the available evidence is currently insufficient to determine the role of this variant in disease. Therefore, it has been classified as a Variant of Uncertain Significance.

Blueprint Genetics
Classification: Uncertain significance. Last evaluated: 2024-08-13. Review status: criteria provided, single submitter. Criteria: ACMG Guidelines, 2015. Collection method: clinical testing. Allele origin: germline.

Ambry Genetics
Classification: Uncertain significance for Inborn genetic diseases. Last evaluated: 2024-07-05. Review status: criteria provided, single submitter. Criteria: Ambry Variant Classification Scheme 2023. Collection method: clinical testing. Allele origin: germline.

Fulgent Genetics
Classification: Uncertain significance for Hennekam lymphangiectasia-lymphedema syndrome 1. Last evaluated: 2021-11-29. Review status: criteria provided, single submitter. Criteria: ACMG Guidelines, 2015. Collection method: clinical testing. Allele origin: unknown.

Illumina Laboratory Services, Illumina
Classification: Uncertain significance for Hennekam lymphangiectasia-lymphedema syndrome 1. Last evaluated: 2018-01-12. Review status: criteria provided, single submitter. Criteria: ICSL Variant Classification Criteria 13 December 2019. Collection method: clinical testing. Allele origin: germline.

NM_133459.4(CCBE1):c.380G>A (p.Arg127Gln)

Gene: CCBE1 (collagen and calcium binding EGF domains 1; minus strand). Cytogenetic location: 18q21.32.
Variant type: single nucleotide variant.
Coding change: c.380G>A on transcript NM_133459.4 (MANE Select); coding-DNA position 380, G replaced by A.
Protein change: p.Arg127Gln; replaces arginine 127 with glutamine.
Molecular consequence: missense variant.
Genome position (GRCh38, 1-based): chr18:59,469,493, C>T on the plus strand (G>A on the coding strand, the complement: CCBE1 is on the minus strand). VCF-style: chr18-59469493-C-T. GRCh37 (hg19) VCF-style: chr18-57136725-C-T.
Other names: short protein forms R127Q.
Identifiers: ClinVar variation 892099 (VCV000892099.11), dbSNP rs141638717, ClinGen allele CA8980516.